The following is an entry in ClinVar:

NM_021076.4(NEFH):c.1985C>T (p.Ser662Phe)

Gene: NEFH (neurofilament heavy chain; plus strand). Cytogenetic location: 22q12.2.
Variant type: single nucleotide variant.
Coding change: c.1985C>T on transcript NM_021076.4 (MANE Select); coding-DNA position 1985, C replaced by T.
Protein change: p.Ser662Phe; replaces serine 662 with phenylalanine.
Molecular consequence: missense variant.
Genome position (GRCh38, 1-based): chr22:29,489,625, C>T. VCF-style: chr22-29489625-C-T. GRCh37 (hg19) VCF-style: chr22-29885614-C-T.
Other names: c.1985C>T (NM_021076.3); short protein forms S662F.
Identifiers: ClinVar variation 2801223 (VCV002801223.4), dbSNP rs1446938726, ClinGen allele CA411133022.

ClinVar aggregate classification (germline): Uncertain significance. Review status: criteria provided, multiple submitters, no conflicts (2 of 4 stars). 2 submissions from 2 submitters: Uncertain significance (2). Last evaluated 2026-01-05.

Conditions:
Inborn genetic diseases. Identifiers: MedGen C0950123, MeSH D030342.

Submissions (2):

Ambry Genetics
Classification: Uncertain significance for Inborn genetic diseases. Last evaluated: 2026-01-05. Review status: criteria provided, single submitter. Criteria: Ambry Variant Classification Scheme 2023. Collection method: clinical testing. Allele origin: germline.
Comment: The c.1985C>T (p.S662F) alteration is located in exon 4 (coding exon 4) of the NEFH gene. This alteration results from a C to T substitution at nucleotide position 1985, causing the serine (S) at amino acid position 662 to be replaced by a phenylalanine (F). Based on data from gnomAD, the T allele has an overall frequency of <0.001% (0/251056) total alleles studied. The highest observed frequency was <0.001% (/) of alleles. Based on insufficient or conflicting evidence, the clinical significance of this alteration remains unclear.

Labcorp Genetics (formerly Invitae), Labcorp
Classification: Uncertain significance. Last evaluated: 2023-11-28. Review status: criteria provided, single submitter. Criteria: Invitae Variant Classification Sherloc (09022015). Collection method: clinical testing. Allele origin: germline.
Comment: This sequence change replaces serine, which is neutral and polar, with phenylalanine, which is neutral and non-polar, at codon 662 of the NEFH protein (p.Ser662Phe). This variant is not present in population databases (gnomAD no frequency). This variant has not been reported in the literature in individuals affected with NEFH-related conditions. Advanced modeling of protein sequence and biophysical properties (such as structural, functional, and spatial information, amino acid conservation, physicochemical variation, residue mobility, and thermodynamic stability) performed at Invitae indicates that this missense variant is not expected to disrupt NEFH protein function with a negative predictive value of 95%. In summary, the available evidence is currently insufficient to determine the role of this variant in disease. Therefore, it has been classified as a Variant of Uncertain Significance.